The following is an entry in ClinVar:

ClinVar aggregate classification (germline): Uncertain significance (1 of 4 stars; one submission).

Conditions:
3-Methylglutaconic aciduria type 2 (BTHS). Also called: Barth syndrome; CARDIOSKELETAL MYOPATHY WITH NEUTROPENIA AND ABNORMAL MITOCHONDRIA. Identifiers: Orphanet 111, MedGen C0574083, MONDO:0010543, OMIM 302060.

Allele frequency attached by ClinVar (database versions not stated): gnomAD below 0.00001 and 0.00002; ExAC 0.00002; gnomAD exomes 0.00002 and 0.00003; 1000 Genomes Project 0.00026; 1000 Genomes Project 30x 0.00062.
gnomAD v4.1: 30 of 1,208,353 alleles (0.0025%); highest among the groups gnomAD compares: South Asian, 0.048%; no homozygotes.

Submission:

Labcorp Genetics (formerly Invitae), Labcorp
Classification: Uncertain significance for 3-Methylglutaconic aciduria type 2. Last evaluated: 2025-12-17. Review status: criteria provided, single submitter. Criteria: Invitae Variant Classification Sherloc (09022015). Collection method: clinical testing. Allele origin: germline.
Comment: This sequence change falls in intron 10 of the TAZ gene. It does not directly change the encoded amino acid sequence of the TAZ protein. It affects a nucleotide within the consensus splice site. This variant is present in population databases (rs782175712, gnomAD 0.03%). This variant has not been reported in the literature in individuals affected with TAZ-related conditions. ClinVar contains an entry for this variant (Variation ID: 577336). Variants that disrupt the consensus splice site are a relatively common cause of aberrant splicing (PMID: 17576681, 9536098). Algorithms developed to predict the effect of sequence changes on RNA splicing suggest that this variant may disrupt the consensus splice site. In summary, the available evidence is currently insufficient to determine the role of this variant in disease. Therefore, it has been classified as a Variant of Uncertain Significance.

Literature cited by the submitters: PubMed 17576681; PubMed 9536098.

NM_000116.5(TAFAZZIN):c.777+6T>C

Gene: TAFAZZIN (tafazzin, phospholipid-lysophospholipid transacylase; plus strand). Cytogenetic location: Xq28.
Variant type: single nucleotide variant.
Coding change: c.777+6T>C on transcript NM_000116.5 (MANE Select); 6 bases into the intron after coding-DNA position 777, T replaced by C.
Molecular consequence: intron variant.
Genome position (GRCh38, 1-based): chrX:154,420,741, T>C. VCF-style: chrX-154420741-T-C. GRCh37 (hg19) VCF-style: chrX-153649080-T-C.
Other names: c.789+6T>C (NM_001303465.2); c.735+6T>C (NM_181312.4); c.687+6T>C (NM_181311.4); c.645+6T>C (NM_181313.4).
Identifiers: ClinVar variation 577336 (VCV000577336.5), dbSNP rs782175712, ClinGen allele CA10562435.
Genomic context (GRCh38, chrX:154,420,741, plus strand): 5'-GCCCTTCAGTGCCCTGCCTGTACTCGAGCGGCTCCGGGCGGAGAACAAGTCGGCTGTGAG[T>C]TTCCTCCTGGGTCCCCCGTAGCTGTCCCCGGACCCCCTGCTGCTGGCTTCCAGCAGGGTG-3'